The following is an entry in ClinVar:

ClinVar aggregate classification (germline): Uncertain significance. Review status: criteria provided, multiple submitters, no conflicts (2 of 4 stars). 2 submissions from 2 submitters: Uncertain significance (2). Last evaluated 2024-08-21.

Conditions:
Hereditary cancer-predisposing syndrome. Also called: Neoplastic Syndromes, Hereditary; Tumor predisposition; Hereditary neoplastic syndrome; Hereditary Cancer Syndrome. Identifiers: Orphanet 140162, MedGen C0027672, MeSH D009386, MONDO:0015356.

Submissions (2):

Ambry Genetics
Classification: Uncertain significance for Hereditary cancer-predisposing syndrome. Last evaluated: 2024-08-21. Review status: criteria provided, single submitter. Criteria: Ambry Variant Classification Scheme 2023. Collection method: clinical testing. Allele origin: germline.
Comment: The p.K148M variant (also known as c.443A>T), located in coding exon 4 of the RAD50 gene, results from an A to T substitution at nucleotide position 443. The lysine at codon 148 is replaced by methionine, an amino acid with similar properties. This amino acid position is well conserved in available vertebrate species. In addition, the in silico prediction for this alteration is inconclusive. Since supporting evidence is limited at this time, the clinical significance of this alteration remains unclear.

Labcorp Genetics (formerly Invitae), Labcorp
Classification: Uncertain significance for Hereditary cancer-predisposing syndrome. Last evaluated: 2024-04-08. Review status: criteria provided, single submitter. Criteria: Invitae Variant Classification Sherloc (09022015). Collection method: clinical testing. Allele origin: germline.
Comment: This sequence change replaces lysine, which is basic and polar, with methionine, which is neutral and non-polar, at codon 148 of the RAD50 protein (p.Lys148Met). This variant is not present in population databases (gnomAD no frequency). This variant has not been reported in the literature in individuals affected with RAD50-related conditions. ClinVar contains an entry for this variant (Variation ID: 824891). Advanced modeling of protein sequence and biophysical properties (such as structural, functional, and spatial information, amino acid conservation, physicochemical variation, residue mobility, and thermodynamic stability) performed at Invitae indicates that this missense variant is expected to disrupt RAD50 protein function with a positive predictive value of 80%. In summary, the available evidence is currently insufficient to determine the role of this variant in disease. Therefore, it has been classified as a Variant of Uncertain Significance.

NM_005732.4(RAD50):c.443A>T (p.Lys148Met)

Gene: RAD50 (RAD50 double strand break repair protein; plus strand). Cytogenetic location: 5q31.1.
Variant type: single nucleotide variant.
Coding change: c.443A>T on transcript NM_005732.4 (MANE Select); coding-DNA position 443, A replaced by T.
Protein change: p.Lys148Met; replaces lysine 148 with methionine.
Molecular consequence: missense variant.
Genome position (GRCh38, 1-based): chr5:132,579,394, A>T. VCF-style: chr5-132579394-A-T. GRCh37 (hg19) VCF-style: chr5-131915086-A-T.
Other names: short protein forms K148M.
Identifiers: ClinVar variation 824891 (VCV000824891.13), dbSNP rs1580987213, ClinGen allele CA360934027.
Genomic context (GRCh38, chr5:132,579,394, plus strand): 5'-GTCTGAGCTCTAAGTGTGCAGAAATTGACCGAGAAATGATCAGTTCTCTTGGGGTTTCCA[A>T]GGCTGTGCTAAATAATGTCATTTTCTGTCATCAAGAAGATTCTAATTGGCCTTTAAGTGA-3'
Protein context (NP_005723.2, residues 138-158): REMISSLGVS[Lys148Met]AVLNNVIFCH